The following is an entry in ClinVar:

ClinVar aggregate classification (germline): Benign (1 of 4 stars; one submission).

Conditions:
Holoprosencephaly sequence (HPE). Also called: Holoprosencephaly. Identifiers: Orphanet 2162, MedGen C0079541, MONDO:0016296, HP:0001360.

Allele frequency attached by ClinVar (database versions not stated): 1000 Genomes Project 30x 0.00094; gnomAD 0.00118 and 0.00125; gnomAD exomes 0.00161; 1000 Genomes Project 0.00100; TOPMed 0.00140.

Submission:

Illumina Laboratory Services, Illumina
Classification: Benign for Holoprosencephaly sequence. Last evaluated: 2018-01-12. Review status: criteria provided, single submitter. Criteria: ICSL Variant Classification Criteria 13 December 2019. Collection method: clinical testing. Allele origin: germline.
Comment: This variant was observed in the ICSL laboratory as part of a predisposition screen in an ostensibly healthy population. It had not been previously curated by ICSL or reported in the Human Gene Mutation Database (HGMD: prior to June 1st, 2018), and was therefore a candidate for classification through an automated scoring system. Utilizing variant allele frequency, disease prevalence and penetrance estimates, and inheritance mode, an automated score was calculated to assess if this variant is too frequent to cause the disease. Based on the score and internal cut-off values, a variant classified as benign is not then subjected to further curation. The score for this variant resulted in a classification of benign for this disease.

NM_003923.2(FOXH1):c.-307G>A

Gene: FOXH1 (forkhead box H1; minus strand). Cytogenetic location: 8q24.3.
Variant type: single nucleotide variant.
Coding change: c.-307G>A on transcript NM_003923.2; 307 bases upstream of the start codon, G replaced by A.
Genome position (GRCh38, 1-based): chr8:144,476,063, C>T on the plus strand (G>A on the coding strand, the complement: FOXH1 is on the minus strand). VCF-style: chr8-144476063-C-T. GRCh37 (hg19) VCF-style: chr8-145701446-C-T.
Identifiers: ClinVar variation 912160 (VCV000912160.6), dbSNP rs145418332, ClinGen allele CA187726169.